The following is an entry in ClinVar:

ClinVar aggregate classification (germline): Pathogenic (1 of 4 stars; one submission).

Conditions:
Alzheimer disease 4 (AD4). Identifiers: Orphanet 1020, MedGen C1847200, MONDO:0011743, OMIM 606889.

Submission:

Labcorp Genetics (formerly Invitae), Labcorp
Classification: Pathogenic for Alzheimer disease 4. Last evaluated: 2025-10-22. Review status: criteria provided, single submitter. Criteria: Invitae Variant Classification Sherloc (09022015). Collection method: clinical testing. Allele origin: germline.
Comment: This sequence change replaces serine, which is neutral and polar, with phenylalanine, which is neutral and non-polar, at codon 175 of the PSEN2 protein (p.Ser175Phe). This variant is not present in population databases (gnomAD no frequency). This missense change has been observed in individual(s) with Alzheimer's disease (PMID: 33855622). It has also been observed to segregate with disease in related individuals. Invitae Evidence Modeling of protein sequence and biophysical properties (such as structural, functional, and spatial information, amino acid conservation, physicochemical variation, residue mobility, and thermodynamic stability) indicates that this missense variant is expected to disrupt PSEN2 protein function with a positive predictive value of 80%. For these reasons, this variant has been classified as Pathogenic.

Literature cited by the submitters: PubMed 33855622.

NM_000447.3(PSEN2):c.524C>T (p.Ser175Phe)

Gene: PSEN2 (presenilin 2; plus strand). Cytogenetic location: 1q42.13.
Variant type: single nucleotide variant.
Coding change: c.524C>T on transcript NM_000447.3 (MANE Select); coding-DNA position 524, C replaced by T.
Protein change: p.Ser175Phe; replaces serine 175 with phenylalanine.
Molecular consequence: missense variant.
Genome position (GRCh38, 1-based): chr1:226,888,116, C>T. VCF-style: chr1-226888116-C-T. GRCh37 (hg19) VCF-style: chr1-227075817-C-T.
Other names: c.524C>T, p.Ser175Phe (NM_001437537.1, NM_012486.3); short protein forms S175F.
Identifiers: ClinVar variation 4763759 (VCV004763759.1).